The following is an entry in ClinVar:

NM_001387690.1(KATNAL2):c.451-4T>C

Gene: KATNAL2 (katanin catalytic subunit A1 like 2; plus strand). Cytogenetic location: 18q21.1.
Variant type: single nucleotide variant.
Coding change: c.451-4T>C on transcript NM_001387690.1 (MANE Select); 4 bases into the intron before coding-DNA position 451, T replaced by C.
Molecular consequence: intron variant.
Genome position (GRCh38, 1-based): chr18:47,059,552, T>C. VCF-style: chr18-47059552-T-C. GRCh37 (hg19) VCF-style: chr18-44585923-T-C.
Other names: c.118-4T>C (NM_001353904.1, NM_001353903.1, NM_001353907.1 and 4 more transcripts); c.529-4T>C (NM_001353899.1, NM_001353902.1); c.526-4T>C (NM_001353900.1); c.451-4T>C (NM_001353901.1, NM_001367621.1); c.235-4T>C (NM_031303.3).
Identifiers: ClinVar variation 3051116 (VCV003051116.2), dbSNP rs375281989, ClinGen allele CA8954964.
Genomic context (GRCh38, chr18:47,059,552, plus strand): 5'-AGGTACATCCAGCAACTCTCCATGGCTGCTCACAGCCGATGTGTCCTTGTCTCTCTTTCT[T>C]CAGGAGGTAGTTGATAACACTCGCCTGGAAAGTGCCAACTTCGGCCTACATATATCAAGA-3'

ClinVar aggregate classification (germline): Likely benign (0 of 4 stars; one submission).

Conditions:
KATNAL2-related disorder. Also called: KATNAL2-related condition.

Allele frequency attached by ClinVar (database versions not stated): ExAC 0.00001; gnomAD exomes 0.00004; gnomAD 0.00005; ESP Exome Variant Server 0.00008; TOPMed 0.00010.
gnomAD v4.1: 67 of 1,595,022 alleles (0.0042%); highest among the groups gnomAD compares: African/African-American, 0.0054%; no homozygotes.

Submission:

PreventionGenetics, part of Exact Sciences
Classification: Likely benign for KATNAL2-related condition. Last evaluated: 2020-06-17. Review status: no assertion criteria provided. Collection method: clinical testing. Allele origin: germline.
Comment: This variant is classified as likely benign based on ACMG/AMP sequence variant interpretation guidelines (Richards et al. 2015 PMID: 25741868, with internal and published modifications).